The following is an entry in ClinVar:

ClinVar aggregate classification (germline): Uncertain significance (1 of 4 stars; one submission).

Submission:

Labcorp Genetics (formerly Invitae), Labcorp
Classification: Uncertain significance. Last evaluated: 2024-01-04. Review status: criteria provided, single submitter. Criteria: Invitae Variant Classification Sherloc (09022015). Collection method: clinical testing. Allele origin: germline.
Comment: This sequence change replaces glycine, which is neutral and non-polar, with serine, which is neutral and polar, at codon 1322 of the KAT6A protein (p.Gly1322Ser). This variant is not present in population databases (gnomAD no frequency). This variant has not been reported in the literature in individuals affected with KAT6A-related conditions. Advanced modeling of protein sequence and biophysical properties (such as structural, functional, and spatial information, amino acid conservation, physicochemical variation, residue mobility, and thermodynamic stability) performed at Invitae indicates that this missense variant is not expected to disrupt KAT6A protein function with a negative predictive value of 80%. In summary, the available evidence is currently insufficient to determine the role of this variant in disease. Therefore, it has been classified as a Variant of Uncertain Significance.

NM_006766.5(KAT6A):c.3964G>A (p.Gly1322Ser)

Gene: KAT6A (lysine acetyltransferase 6A; minus strand). Cytogenetic location: 8p11.21.
Variant type: single nucleotide variant.
Coding change: c.3964G>A on transcript NM_006766.5 (MANE Select); coding-DNA position 3964, G replaced by A.
Protein change: p.Gly1322Ser; replaces glycine 1322 with serine.
Molecular consequence: missense variant.
Genome position (GRCh38, 1-based): chr8:41,934,256, C>T on the plus strand (G>A on the coding strand, the complement: KAT6A is on the minus strand). VCF-style: chr8-41934256-C-T. GRCh37 (hg19) VCF-style: chr8-41791774-C-T.
Other names: short protein forms G1322S.
Identifiers: ClinVar variation 2705665 (VCV002705665.3), dbSNP rs2486756840, ClinGen allele CA371067341.